The following is an entry in ClinVar:

NM_000257.4(MYH7):c.5243G>A (p.Cys1748Tyr)

Genes: MYH7 (myosin heavy chain 7; minus strand), LOC126861897 (BRD4-independent group 4 enhancer GRCh37_chr14:23884455-23885654; plus strand). Cytogenetic location: 14q11.2.
Variant type: single nucleotide variant.
Coding change: c.5243G>A on transcript NM_000257.4 (MANE Select); coding-DNA position 5243, G replaced by A.
Protein change: p.Cys1748Tyr; replaces cysteine 1748 with tyrosine.
Molecular consequence: missense variant.
Genome position (GRCh38, 1-based): chr14:23,415,421, C>T on the plus strand (G>A on the coding strand, the complement: MYH7 is on the minus strand). VCF-style: chr14-23415421-C-T. GRCh37 (hg19) VCF-style: chr14-23884630-C-T.
Other names: p.C1748Y:TGC>TAC; c.5243G>A (LRG_384t1); short protein forms C1748Y.
Identifiers: ClinVar variation 180440 (VCV000180440.67), dbSNP rs200303340, ClinGen allele CA015800.

ClinVar aggregate classification (germline): Conflicting classifications of pathogenicity. Review status: criteria provided, conflicting classifications (1 of 4 stars). 15 submissions from 12 submitters: Uncertain significance (13); Benign (1). 1 of the submissions does not count toward it. Last evaluated 2026-07-14.

Conditions:
MYH7-related disorder. Also called: MYH7-related condition; MYH7-related disease; MYH7-related disorders.
Myosin storage myopathy (CMYO7A). Also called: MYH7-related late-onset scapuloperoneal muscular dystrophy; Congenital myopathy 7A, myosin storage, autosomal dominant; MYOPATHY, HYALINE BODY, AUTOSOMAL DOMINANT; Scapuloperoneal myopathy, MYH7-related; MYOPATHY WITH LYSIS OF TYPE I MYOFIBRILS; SCAPULOPERONEAL MUSCULAR DYSTROPHY. Identifiers: Orphanet 437572, Orphanet 636965, MedGen C1842160, MONDO:0008409, OMIM 608358.
Cardiovascular phenotype. Identifiers: MedGen CN230736.
MYH7-related skeletal myopathy. Also called: MYOPATHY, DISTAL, EARLY-ONSET, AUTOSOMAL DOMINANT; MYOPATHY, LATE DISTAL HEREDITARY; Laing distal myopathy; Laing early-onset distal myopathy; Myopathy, distal, 1. Identifiers: Orphanet 59135, MedGen C4552004, MONDO:0008050, OMIM 160500.
Hypertrophic cardiomyopathy 1 (CMH1). Also called: Familial hypertrophic cardiomyopathy 1; MYH7-Related Familial Hypertrophic Cardiomyopathy. Identifiers: MedGen C3495498, MONDO:0008647, OMIM 192600.
Myopathy, myosin storage, autosomal recessive (CMYO7B). Also called: CONGENITAL MYOPATHY 7B, MYOSIN STORAGE, AUTOSOMAL RECESSIVE. Identifiers: Orphanet 636970, MedGen C1850709, MONDO:0009708, OMIM 255160.
Dilated cardiomyopathy 1S (CMD1S). Identifiers: Orphanet 154, Orphanet 54260, MedGen C1834481, MONDO:0013262, OMIM 613426.
Cardiomyopathy (CMYO). Also called: Cardiomyopathies. Identifiers: Orphanet 167848, MedGen C0878544, MONDO:0004994, HP:0001638. Inheritance: Various modes of inheritance.
Hypertrophic cardiomyopathy. Also called: HYPERTROPHIC MYOCARDIOPATHY. Identifiers: Orphanet 217569, MedGen C0007194, MeSH D002312, MONDO:0005045, HP:0001639.

Allele frequency attached by ClinVar (database versions not stated): TOPMed 0.00002; gnomAD exomes 0.00004 and 0.00005; ExAC 0.00005; gnomAD 0.00005; ESP Exome Variant Server 0.00008.
gnomAD v4.1: 64 of 1,614,124 alleles (0.004%); highest among the groups gnomAD compares: Non-Finnish European, 0.0053%; no homozygotes.

Submissions (15):

GeneDx
Classification: Uncertain significance. Last evaluated: 2026-07-14. Review status: criteria provided, single submitter. Criteria: GeneDx Variant Classification Process June 2021. Collection method: clinical testing. Allele origin: germline.
Comment: In silico analysis supports that this missense variant has a deleterious effect on protein structure/function; This variant is associated with the following publications: (PMID: 25649125, 22958901, 42396340, 30403391, 34598319, 35653365, 37652022)

Molecular Diagnostic Laboratory for Inherited Cardiovascular Disease, Montreal Heart Institute
Classification: Uncertain significance for Cardiovascular phenotype. Last evaluated: 2026-03-27. Review status: criteria provided, single submitter. Criteria: ACMG Guidelines, 2015. Collection method: clinical testing. Allele origin: germline. Affected: yes.
Comment: PM2, PS4_supp

CeGaT Center for Human Genetics Tuebingen
Classification: Uncertain significance. Last evaluated: 2026-01-01. Review status: criteria provided, single submitter. Criteria: CeGaT Center For Human Genetics Tuebingen Variant Classification Criteria Version 2. Collection method: clinical testing. Allele origin: germline. Affected: yes. Observed: 2 variant alleles.
Comment: MYH7: PP3

Labcorp Genetics (formerly Invitae), Labcorp
Classification: Uncertain significance for Hypertrophic cardiomyopathy. Last evaluated: 2025-11-16. Review status: criteria provided, single submitter. Criteria: Invitae Variant Classification Sherloc (09022015). Collection method: clinical testing. Allele origin: germline.
Comment: This sequence change replaces cysteine, which is neutral and slightly polar, with tyrosine, which is neutral and polar, at codon 1748 of the MYH7 protein (p.Cys1748Tyr). This variant is present in population databases (rs200303340, gnomAD 0.009%). This missense change has been observed in individual(s) with hypertrophic cardiomyopathy (PMID: 34598319, 37652022). ClinVar contains an entry for this variant (Variation ID: 180440). Invitae Evidence Modeling of protein sequence and biophysical properties (such as structural, functional, and spatial information, amino acid conservation, physicochemical variation, residue mobility, and thermodynamic stability) has been performed for this missense variant. However, the output from this modeling did not meet the statistical confidence thresholds required to predict the impact of this variant on MYH7 protein function. In summary, the available evidence is currently insufficient to determine the role of this variant in disease. Therefore, it has been classified as a Variant of Uncertain Significance.

Laboratory of Genetics, Children's Clinical University Hospital Latvia
Classification: Uncertain significance. Last evaluated: 2025-02-16. Review status: criteria provided, single submitter. Criteria: ACMG Guidelines, 2015. Collection method: clinical testing. Allele origin: germline. Affected: yes.

Ambry Genetics
Classification: Uncertain significance for Cardiovascular phenotype. Last evaluated: 2025-01-21. Review status: criteria provided, single submitter. Criteria: Ambry Variant Classification Scheme 2023. Collection method: clinical testing. Allele origin: germline.
Comment: The p.C1748Y variant (also known as c.5243G>A), located in coding exon 34 of the MYH7 gene, results from a G to A substitution at nucleotide position 5243. The cysteine at codon 1748 is replaced by tyrosine, an amino acid with highly dissimilar properties. This variant was reported in individual(s) with features consistent with hypertrophic cardiomyopathy (Filatova EV et al. Mol Genet Genomic Med, 2021 11;9:e1808; McGurk KA et al. Am J Hum Genet. 2023 Sep;110(9):1482-1495). This amino acid position is well conserved in available vertebrate species. In addition, the in silico prediction for this alteration is inconclusive. Based on the available evidence, the clinical significance of this variant remains unclear.

All of Us Research Program, National Institutes of Health
Classification: Uncertain significance for Cardiomyopathy. Last evaluated: 2024-09-17. Review status: criteria provided, single submitter. Criteria: ACMG Guidelines, 2015. Collection method: clinical testing. Allele origin: germline. Inheritance: Autosomal dominant inheritance. Observed: 18 variant alleles, 18 heterozygotes.
Comment: This missense variant replaces cysteine with tyrosine at codon 1748 of the MYH7 protein. Computational prediction suggests that this variant may not impact protein structure and function (internally defined REVEL score threshold <= 0.5, PMID: 27666373). To our knowledge, functional studies have not been reported for this variant. This variant has been reported in an individual affected with hypertrophic cardiomyopathy (PMID: 34598319). It has also been reported in an individual affected with long QT syndrome and sudden cardiac arrest (PMID: 30403391). This variant has been identified in 14/282884 chromosomes in the general population by the Genome Aggregation Database (gnomAD). The available evidence is insufficient to determine the role of this variant in disease conclusively. Therefore, this variant is classified as a Variant of Uncertain Significance.

This study involves interpretation of variants in research participants for the purpose of population health screening. Participant phenotype was not available at the time of variant classification. Additional details can be found in publication PMID: 35346344, PMCID: PMC8962531

Blueprint Genetics
Classification: Uncertain significance. Last evaluated: 2024-09-15. Review status: criteria provided, single submitter. Criteria: ACMG Guidelines, 2015. Collection method: clinical testing. Allele origin: germline.

Color Diagnostics, LLC DBA Color Health
Classification: Uncertain significance for Cardiomyopathy. Last evaluated: 2024-04-23. Review status: criteria provided, single submitter. Criteria: ACMG Guidelines, 2015. Collection method: clinical testing. Allele origin: germline.
Comment: This missense variant replaces cysteine with tyrosine at codon 1748 of the MYH7 protein. Computational prediction tools indicate that this variant has a neutral impact on protein structure and function. To our knowledge, functional studies have not been reported for this variant. This variant has been reported in one individual affected with hypertrophic cardiomyopathy (PMID: 34598319). It has also been reported in one individual affected with long QT syndrome and sudden cardiac arrest (PMID: 30403391). This variant has been identified in 14/282884 chromosomes in the general population by the Genome Aggregation Database (gnomAD). The available evidence is insufficient to determine the role of this variant in disease conclusively. Therefore, this variant is classified as a Variant of Uncertain Significance.

Illumina Laboratory Services, Illumina
Classification: Uncertain significance for Dilated cardiomyopathy 1S. Last evaluated: 2017-04-27. Review status: criteria provided, single submitter. Criteria: ICSL Variant Classification Criteria 13 December 2019. Collection method: clinical testing. Allele origin: germline.

Illumina Laboratory Services, Illumina
Classification: Uncertain significance for Myosin storage myopathy. Last evaluated: 2017-04-27. Review status: criteria provided, single submitter. Criteria: ICSL Variant Classification Criteria 13 December 2019. Collection method: clinical testing. Allele origin: germline.

Illumina Laboratory Services, Illumina
Classification: Uncertain significance for Hypertrophic cardiomyopathy 1. Last evaluated: 2017-04-27. Review status: criteria provided, single submitter. Criteria: ICSL Variant Classification Criteria 13 December 2019. Collection method: clinical testing. Allele origin: germline.

Illumina Laboratory Services, Illumina
Classification: Benign for MYH7-related skeletal myopathy. Last evaluated: 2017-04-27. Review status: criteria provided, single submitter. Criteria: ICSL Variant Classification Criteria 13 December 2019. Collection method: clinical testing. Allele origin: germline.
Comment: This variant was observed as part of a predisposition screen in an ostensibly healthy population. A literature search was performed for the gene, cDNA change, and amino acid change (where applicable). No publications were found based on this search. Allele frequency data from public databases was too high to be consistent with this variant causing disease. Therefore, this variant is classified as benign.

Center for Genomics, Ann and Robert H. Lurie Children's Hospital of Chicago
Classification: Uncertain significance for MYH7-related skeletal myopathy; Hypertrophic cardiomyopathy 1; Dilated cardiomyopathy 1S; Myosin storage myopathy; Myopathy, myosin storage, autosomal recessive. Review status: criteria provided, single submitter. Criteria: ACMG Guidelines, 2015. Collection method: clinical testing. Allele origin: germline.
Comment: MYH7 NM_00257.3 exon 36 p.Cys1748Tyr (c.5243G>A): This variant has not been reported in the literature and is present in 0.009% (12/129192) of European alleles in the Genome Aggregation Database. This variant is present in ClinVar (Variation ID:180440). Evolutionary conservation and computational predictive tools suggest that this variant may impact the protein. In summary, data on this variant is insufficient for disease classification. Therefore, the clinical significance of this variant is uncertain.

PreventionGenetics, part of Exact Sciences
Classification: Uncertain significance for MYH7-related condition. Last evaluated: 2024-06-23. Review status: no assertion criteria provided. Collection method: clinical testing. Allele origin: germline. Not counted in ClinVar's aggregate classification.
Comment: The MYH7 c.5243G>A variant is predicted to result in the amino acid substitution p.Cys1748Tyr. This variant has been reported as a variant of uncertain significance in individuals with long QT syndrome and sudden cardiac arrest (Table S6, Stępień-Wojno et al. 2018. PubMed ID: 30403391) and hypertrophic cardiomyopathy (Filatova et al. 2021. PubMed ID: 34598319). This variant was also documented in both control and affected individuals in a population-based study estimating the penetrance of rare variants in cardiomyopathy-associated genes (Table S8, McGurk et al. 2023. PubMed ID: 37652022). This variant is reported in 0.0093% of alleles in individuals of European (Non-Finnish) descent in gnomAD. At this time, the clinical significance of this variant is uncertain due to the absence of conclusive functional and genetic evidence.

Literature cited by the submitters: PubMed 34598319 (cited by 4 submitters); PubMed 37652022 (cited by Labcorp Genetics (formerly Invitae), Labcorp and Ambry Genetics); PubMed 30403391 (cited by All of Us Research Program, National Institutes of Health and Color Diagnostics, LLC DBA Color Health).